The following is an entry in ClinVar:

ClinVar aggregate classification (germline): Uncertain significance (1 of 4 stars; one submission).

Conditions:
Dilated cardiomyopathy 1JJ (CMD1JJ). Identifiers: Orphanet 154, MedGen C3808935, MONDO:0014095, OMIM 615235.

gnomAD v4.1: 3 of 1,613,634 alleles (0.00019%); highest among the groups gnomAD compares: Non-Finnish European, 0.00025%; no homozygotes.

Submission:

Labcorp Genetics (formerly Invitae), Labcorp
Classification: Uncertain significance for Dilated cardiomyopathy 1JJ. Last evaluated: 2026-01-11. Review status: criteria provided, single submitter. Criteria: Invitae Variant Classification Sherloc (09022015). Collection method: clinical testing. Allele origin: germline.
Comment: This sequence change replaces arginine, which is basic and polar, with leucine, which is neutral and non-polar, at codon 1030 of the LAMA4 protein (p.Arg1030Leu). This variant also falls at the last nucleotide of exon 23, which is part of the consensus splice site for this exon. This variant is present in population databases (no rsID available, gnomAD 0.007%). This variant has not been reported in the literature in individuals affected with LAMA4-related conditions. An algorithm developed to predict the effect of missense changes on protein structure and function (PolyPhen-2) suggests that this variant is likely to be disruptive. Variants that disrupt the consensus splice site are a relatively common cause of aberrant splicing (PMID: 17576681, 9536098). Algorithms developed to predict the effect of sequence changes on RNA splicing suggest that this variant may disrupt the consensus splice site. In summary, the available evidence is currently insufficient to determine the role of this variant in disease. Therefore, it has been classified as a Variant of Uncertain Significance.

Literature cited by the submitters: PubMed 17576681; PubMed 9536098.

NM_001105206.3(LAMA4):c.3110G>T (p.Arg1037Leu)

Gene: LAMA4 (laminin subunit alpha 4; minus strand). Cytogenetic location: 6q21.
Variant type: single nucleotide variant.
Coding change: c.3110G>T on transcript NM_001105206.3 (MANE Select); coding-DNA position 3110, G replaced by T.
Protein change: p.Arg1037Leu; replaces arginine 1037 with leucine.
Molecular consequence: missense variant.
Genome position (GRCh38, 1-based): chr6:112,139,752, C>A on the plus strand (G>T on the coding strand, the complement: LAMA4 is on the minus strand). VCF-style: chr6-112139752-C-A. GRCh37 (hg19) VCF-style: chr6-112460954-C-A.
Other names: c.3089G>T, p.Arg1030Leu (NM_001105207.3, NM_002290.5); short protein forms R1030L, R1037L.
Identifiers: ClinVar variation 4749808 (VCV004749808.1).